The following is an entry in ClinVar:

NM_024529.5(CDC73):c.689T>C (p.Val230Ala)

Gene: CDC73 (cell division cycle 73; plus strand). Cytogenetic location: 1q31.2.
Variant type: single nucleotide variant.
Coding change: c.689T>C on transcript NM_024529.5 (MANE Select); coding-DNA position 689, T replaced by C.
Protein change: p.Val230Ala; replaces valine 230 with alanine.
Molecular consequence: missense variant.
Genome position (GRCh38, 1-based): chr1:193,142,026, T>C. VCF-style: chr1-193142026-T-C. GRCh37 (hg19) VCF-style: chr1-193111156-T-C.
Other names: short protein forms V230A.
Identifiers: ClinVar variation 654339 (VCV000654339.9), dbSNP rs1558285020, ClinGen allele CA343962771.

ClinVar aggregate classification (germline): Uncertain significance (1 of 4 stars; one submission).

Conditions:
Parathyroid carcinoma (PRTC). Also called: Parathyroid gland carcinoma; CDC73-Related Parathyroid Carcinoma. Identifiers: Orphanet 143, MedGen C0687150, MONDO:0012004, OMIM 608266, HP:0006780.

Submission:

Labcorp Genetics (formerly Invitae), Labcorp
Classification: Uncertain significance for Parathyroid carcinoma. Last evaluated: 2018-09-06. Review status: criteria provided, single submitter. Criteria: Invitae Variant Classification Sherloc (09022015). Collection method: clinical testing. Allele origin: germline.
Comment: This sequence change replaces valine with alanine at codon 230 of the CDC73 protein (p.Val230Ala). The valine residue is moderately conserved and there is a small physicochemical difference between valine and alanine. This variant is not present in population databases (ExAC no frequency). This variant has not been reported in the literature in individuals with CDC73-related disease. Algorithms developed to predict the effect of missense changes on protein structure and function (SIFT, PolyPhen-2, Align-GVGD) all suggest that this variant is likely to be tolerated, but these predictions have not been confirmed by published functional studies and their clinical significance is uncertain. In summary, the available evidence is currently insufficient to determine the role of this variant in disease. Therefore, it has been classified as a Variant of Uncertain Significance.